The following is an entry in ClinVar:

NM_001297.5(CNGB1):c.90G>A (p.Glu30=)

Gene: CNGB1 (cyclic nucleotide gated channel subunit beta 1; minus strand). Cytogenetic location: 16q21.
Variant type: single nucleotide variant.
Coding change: c.90G>A on transcript NM_001297.5 (MANE Select); coding-DNA position 90, G replaced by A.
Protein change: p.Glu30=; no amino-acid change (glutamic acid 30 retained).
Molecular consequence: synonymous variant.
Genome position (GRCh38, 1-based): chr16:57,967,197, C>T on the plus strand (G>A on the coding strand, the complement: CNGB1 is on the minus strand). VCF-style: chr16-57967197-C-T. GRCh37 (hg19) VCF-style: chr16-58001101-C-T.
Other names: c.90G>A (NM_001297.4); c.90G>A, p.Glu30= (NM_001135639.2, NM_001286130.2).
Identifiers: ClinVar variation 1170740 (VCV001170740.11), dbSNP rs375219355, ClinGen allele CA8084006.

ClinVar aggregate classification (germline): Benign. Review status: criteria provided, single submitter (1 of 4 stars). 2 submissions from 2 submitters: Benign (1). 1 of the submissions does not count toward it. Last evaluated 2026-02-02.

Conditions:
CNGB1-related disorder. Also called: CNGB1-related condition.

Allele frequency attached by ClinVar (database versions not stated): gnomAD 0.00002 and 0.00068; TOPMed 0.00013; gnomAD exomes 0.00116 and 0.00250; ExAC 0.00289; 1000 Genomes Project 30x 0.00531; 1000 Genomes Project 0.00559.
gnomAD v4.1: 1,812 of 1,614,176 alleles (0.11%); highest among the groups gnomAD compares: South Asian, 1.9%; 45 homozygotes.

Submissions (2):

Labcorp Genetics (formerly Invitae), Labcorp
Classification: Benign. Last evaluated: 2026-02-02. Review status: criteria provided, single submitter. Criteria: Invitae Variant Classification Sherloc (09022015). Collection method: clinical testing. Allele origin: germline.

PreventionGenetics, part of Exact Sciences
Classification: Benign for CNGB1-related condition. Last evaluated: 2019-05-14. Review status: no assertion criteria provided. Collection method: clinical testing. Allele origin: germline. Not counted in ClinVar's aggregate classification.
Comment: This variant is classified as benign based on ACMG/AMP sequence variant interpretation guidelines (Richards et al. 2015 PMID: 25741868, with internal and published modifications).